The following is an entry in ClinVar:

ClinVar aggregate classification (germline): Pathogenic/Likely pathogenic. Review status: criteria provided, multiple submitters, no conflicts (2 of 4 stars). 2 submissions from 2 submitters: Pathogenic (1); Likely pathogenic (1). Last evaluated 2024-08-21.

Conditions:
Obesity due to melanocortin 4 receptor deficiency. Identifiers: Orphanet 71529, MedGen C4273958, MONDO:0019115.

Submissions (2):

GeneDx
Classification: Likely pathogenic. Last evaluated: 2024-08-21. Review status: criteria provided, single submitter. Criteria: GeneDx Variant Classification Process June 2021. Collection method: clinical testing. Allele origin: germline. Affected: yes.
Comment: Frameshift variant predicted to result in abnormal protein length as the last 217 amino acids are replaced with 5 different amino acids, and other similar variants have been reported in HGMD; Not observed at significant frequency in large population cohorts (gnomAD); This variant is associated with the following publications: (PMID: 17517245, 28218067)

Laboratory for Molecular Medicine, Mass General Brigham Personalized Medicine
Classification: Pathogenic for Obesity due to melanocortin 4 receptor deficiency. Last evaluated: 2018-09-19. Review status: criteria provided, single submitter. Criteria: ACMG Guidelines, 2015. Collection method: clinical testing. Allele origin: germline. Inheritance: Autosomal dominant inheritance.
Comment: The p.Ser116PhefsX6 variant in MC4R has been reported in 2 homozygous individuals with severe early-onset obesity and segregated with disease in at least 3 heterozygous relatives from 2 families (Dubern 2007, Tunç 2017). This variant was absent from large population studies. This variant is predicted to cause a frameshift, which alters the protein’s amino acid sequence beginning at position 116 and leads to a premature termination codon 6 amino acids downstream. The MC4R protein is encoded by a single exon; therefore, this alteration is more likely to escape nonsense mediated decay (NMD), resulting in a truncated protein that is missing five transmembrane domains and the c-terminal tail. The c-terminal tail contains a peptide signal which is required for targeting the MC4R protein to the plasma membrane, and removal of that peptide results in cytoplasmic retention of the MC4R protein (Ho 1999). Haploinsufficiency of the MC4R gene is an established disease mechanism in MC4R-related obesity. In summary, this variant meets criteria to be classified as pathogenic for obesity due to Melanocortin 4 Receptor Deficiency in an autosomal dominant manner. ACMG/AMP Criteria applied: PVS1_Strong, PM2, PS4_Supporting, PM1, PP1.

Literature cited by the submitters: PubMed 17517245 (cited by Laboratory for Molecular Medicine, Mass General Brigham Personalized Medicine); PubMed 28218067 (cited by Laboratory for Molecular Medicine, Mass General Brigham Personalized Medicine).

NM_005912.3(MC4R):c.346_347del (p.Ser116fs)

Gene: MC4R (melanocortin 4 receptor; minus strand). Cytogenetic location: 18q21.32.
Variant type: Microsatellite.
Coding change: c.346_347del on transcript NM_005912.3 (MANE Select); coding-DNA positions 346 to 347, 2 bases deleted (AG; older notation c.346_347delAG).
Protein change: p.Ser116fs; shifts the reading frame from serine 116.
Molecular consequence: frameshift variant.
Genome position (GRCh38, 1-based): chr18:60,372,003-60,372,004, CT deleted on the plus strand (AG on the coding strand, the reverse complement: MC4R is on the minus strand); deleting any 2 consecutive bases within chr18:60,372,003-60,372,006 gives the same sequence; the c. name uses the placement nearest the transcript's 3' end. VCF-style (leftmost placement, unchanged base first): chr18-60372002-ACT-A. GRCh37 (hg19) VCF-style: chr18-58039235-ACT-A.
Other names: c.346_347del (NM_005912.2); short protein forms S116fs.
Identifiers: ClinVar variation 3076075 (VCV003076075.2), dbSNP rs1226923092, ClinGen allele CA781032640.